The following is an entry in ClinVar:

ClinVar aggregate classification (germline): Uncertain significance (1 of 4 stars; one submission).

Allele frequency attached by ClinVar (database versions not stated): gnomAD exomes 0.00001; TOPMed below 0.00001.
gnomAD v4.1: 5 of 1,607,318 alleles (0.00031%); highest among the groups gnomAD compares: Admixed American, 0.0017%; no homozygotes.

Submission:

Labcorp Genetics (formerly Invitae), Labcorp
Classification: Uncertain significance. Last evaluated: 2025-02-28. Review status: criteria provided, single submitter. Criteria: Invitae Variant Classification Sherloc (09022015). Collection method: clinical testing. Allele origin: germline.
Comment: This sequence change replaces arginine, which is basic and polar, with tryptophan, which is neutral and slightly polar, at codon 465 of the LZTS1 protein (p.Arg465Trp). The frequency data for this variant in the population databases is considered unreliable, as metrics indicate poor data quality at this position in the gnomAD database. This variant has not been reported in the literature in individuals affected with LZTS1-related conditions. ClinVar contains an entry for this variant (Variation ID: 1463113). Invitae Evidence Modeling of protein sequence and biophysical properties (such as structural, functional, and spatial information, amino acid conservation, physicochemical variation, residue mobility, and thermodynamic stability) indicates that this missense variant is expected to disrupt LZTS1 protein function with a positive predictive value of 80%. In summary, the available evidence is currently insufficient to determine the role of this variant in disease. Therefore, it has been classified as a Variant of Uncertain Significance.

NM_021020.5(LZTS1):c.1393C>T (p.Arg465Trp)

Gene: LZTS1 (leucine zipper tumor suppressor 1; minus strand). Cytogenetic location: 8p21.3.
Variant type: single nucleotide variant.
Coding change: c.1393C>T on transcript NM_021020.5 (MANE Select); coding-DNA position 1393, C replaced by T.
Protein change: p.Arg465Trp; replaces arginine 465 with tryptophan.
Molecular consequence: missense variant.
Genome position (GRCh38, 1-based): chr8:20,250,120, G>A on the plus strand (C>T on the coding strand, the complement: LZTS1 is on the minus strand). VCF-style: chr8-20250120-G-A. GRCh37 (hg19) VCF-style: chr8-20107631-G-A.
Other names: c.1393C>T, p.Arg465Trp (NM_001362884.2); short protein forms R465W.
Identifiers: ClinVar variation 1463113 (VCV001463113.8), dbSNP rs1254369653, ClinGen allele CA370476234.